The following is an entry in ClinVar:

ClinVar aggregate classification (germline): Uncertain significance. Review status: criteria provided, multiple submitters, no conflicts (2 of 4 stars). 2 submissions from 2 submitters: Uncertain significance (2). Last evaluated 2024-03-01.

Conditions:
Inborn genetic diseases. Identifiers: MedGen C0950123, MeSH D030342.

Allele frequency attached by ClinVar (database versions not stated): gnomAD 0.00002; ExAC 0.00004; TOPMed 0.00004.
gnomAD v4.1: 73 of 1,614,064 alleles (0.0045%); highest among the groups gnomAD compares: Admixed American, 0.023%; no homozygotes.

Submissions (2):

Ambry Genetics
Classification: Uncertain significance for Inborn genetic diseases. Last evaluated: 2024-03-01. Review status: criteria provided, single submitter. Criteria: Ambry Variant Classification Scheme 2023. Collection method: clinical testing. Allele origin: germline.

Labcorp Genetics (formerly Invitae), Labcorp
Classification: Uncertain significance. Last evaluated: 2023-10-13. Review status: criteria provided, single submitter. Criteria: Invitae Variant Classification Sherloc (09022015). Collection method: clinical testing. Allele origin: germline.
Comment: This sequence change replaces arginine, which is basic and polar, with cysteine, which is neutral and slightly polar, at codon 498 of the PCDH12 protein (p.Arg498Cys). This variant is present in population databases (rs780920819, gnomAD 0.02%). This variant has not been reported in the literature in individuals affected with PCDH12-related conditions. ClinVar contains an entry for this variant (Variation ID: 2081226). Advanced modeling of protein sequence and biophysical properties (such as structural, functional, and spatial information, amino acid conservation, physicochemical variation, residue mobility, and thermodynamic stability) performed at Invitae indicates that this missense variant is not expected to disrupt PCDH12 protein function. In summary, the available evidence is currently insufficient to determine the role of this variant in disease. Therefore, it has been classified as a Variant of Uncertain Significance.

NM_016580.4(PCDH12):c.1492C>T (p.Arg498Cys)

Genes: PCDH12 (protocadherin 12; minus strand), RNF14 (ring finger protein 14; plus strand). Cytogenetic location: 5q31.3.
Variant type: single nucleotide variant.
Coding change: c.1492C>T on transcript NM_016580.4 (MANE Select); coding-DNA position 1492, C replaced by T.
Protein change: p.Arg498Cys; replaces arginine 498 with cysteine.
Molecular consequence: missense variant.
Genome position (GRCh38, 1-based): chr5:141,956,360, G>A on the plus strand (C>T on the coding strand, the complement: PCDH12 is on the minus strand). VCF-style: chr5-141956360-G-A. GRCh37 (hg19) VCF-style: chr5-141335925-G-A.
Other names: c.1492C>T (NM_016580.2); short protein forms R498C.
Identifiers: ClinVar variation 2081226 (VCV002081226.5), dbSNP rs780920819, ClinGen allele CA3484394.